The following is an entry in ClinVar:

ClinVar aggregate classification (germline): Uncertain significance (1 of 4 stars; one submission).

Conditions:
Kaposi sarcoma, susceptibility to. Also called: MULTIPLE IDIOPATHIC PIGMENTED HEMANGIOSARCOMA, SUSCEPTIBILITY TO. Identifiers: MedGen C3538945, MONDO:0007845, OMIM 148000.
Neurodevelopmental disorder with dysmorphic facies and distal limb anomalies. Identifiers: Orphanet 686482, MedGen C4540327, MONDO:0060596, OMIM 617755.

Submission:

Juno Genomics, Hangzhou Juno Genomics, Inc
Classification: Uncertain significance for Kaposi sarcoma, susceptibility to; Neurodevelopmental disorder with dysmorphic facies and distal limb anomalies. Review status: criteria provided, single submitter. Criteria: ACMG Guidelines, 2015. Collection method: clinical testing. Allele origin: germline.
Comment: Absent from controls (or at extremely low frequency if recessive) in Genome Aggregation Database.;Missense variant in a gene that has a low rate of benign missense variation.

NM_182641.4(BPTF):c.967G>A (p.Gly323Arg)

Gene: BPTF (bromodomain PHD finger transcription factor; plus strand). Cytogenetic location: 17q24.2.
Variant type: single nucleotide variant.
Coding change: c.967G>A on transcript NM_182641.4 (MANE Select); coding-DNA position 967, G replaced by A.
Protein change: p.Gly323Arg; replaces glycine 323 with arginine.
Molecular consequence: missense variant.
Genome position (GRCh38, 1-based): chr17:67,854,293, G>A. VCF-style: chr17-67854293-G-A. GRCh37 (hg19) VCF-style: chr17-65850409-G-A.
Other names: c.967G>A, p.Gly323Arg (NM_001439141.1, NM_001439142.1, NM_001439143.1 and 4 more transcripts); short protein forms G323R.
Identifiers: ClinVar variation 5019203 (VCV005019203.2).